The following is an entry in ClinVar:

NM_001365276.2(TNXB):c.1577G>A (p.Arg526His)

Gene: TNXB (tenascin XB; minus strand). Cytogenetic location: 6p21.33.
Variant type: single nucleotide variant.
Coding change: c.1577G>A on transcript NM_001365276.2 (MANE Select); coding-DNA position 1577, G replaced by A.
Protein change: p.Arg526His; replaces arginine 526 with histidine.
Molecular consequence: missense variant.
Genome position (GRCh38, 1-based): chr6:32,096,276, C>T on the plus strand (G>A on the coding strand, the complement: TNXB is on the minus strand). VCF-style: chr6-32096276-C-T. GRCh37 (hg19) VCF-style: chr6-32064053-C-T.
Other names: c.1577G>A, p.Arg526His (NM_019105.8); short protein forms R526H.
Identifiers: ClinVar variation 1775616 (VCV001775616.3), dbSNP rs1247381450, ClinGen allele CA363479773.
Genomic context (GRCh38, chr6:32,096,276, plus strand): 5'-TCACACACGCACACGCCATCCTCGCAAAGGCCGTGCCCACGGCAGTCCCCGGGACAGCGA[C>T]GGCTCCCACAGTCCTCACCGGTGAAGCCCGGGTTGCACACGCAGCGGCCATCCACGCAGC-3'
Protein context (NP_001352205.1, residues 516-536): PGFTGEDCGS[Arg526His]RCPGDCRGHG

ClinVar aggregate classification (germline): Uncertain significance (1 of 4 stars; one submission).

Conditions:
Cardiovascular phenotype. Identifiers: MedGen CN230736.

Allele frequency attached by ClinVar (database versions not stated): gnomAD exomes below 0.00001; gnomAD 0.00001; TOPMed 0.00001.
gnomAD v4.1: 6 of 1,559,984 alleles (0.00038%); highest among the groups gnomAD compares: African/African-American, 0.0014%; no homozygotes.

Submission:

Ambry Genetics
Classification: Uncertain significance for Cardiovascular phenotype. Last evaluated: 2025-03-09. Review status: criteria provided, single submitter. Criteria: Ambry Variant Classification Scheme 2023. Collection method: clinical testing. Allele origin: germline.
Comment: The p.R526H variant (also known as c.1577G>A), located in coding exon 2 of the TNXB gene, results from a G to A substitution at nucleotide position 1577. The arginine at codon 526 is replaced by histidine, an amino acid with highly similar properties. This amino acid position is conserved. In addition, this alteration is predicted to be tolerated by in silico analysis. Since supporting evidence is limited at this time, the clinical significance of this alteration remains unclear.